The following is an entry in ClinVar:

ClinVar aggregate classification (germline): Benign/Likely benign. Review status: criteria provided, multiple submitters, no conflicts (2 of 4 stars). 9 submissions from 8 submitters: Benign (2); Likely benign (7). Last evaluated 2026-01-28.

Conditions:
MYH9-related disorder. Identifiers: MedGen C1854520.
Autosomal dominant nonsyndromic hearing loss 17. Also called: Autosomal dominant nonsyndromic deafness 17; Deafness, autosomal dominant 17. Identifiers: Orphanet 90635, MedGen C1863659, MONDO:0011350, OMIM 603622.
Macrothrombocytopenia and granulocyte inclusions with or without nephritis or sensorineural hearing loss (MATINS). Also called: MYH9-Related Disease (MYH9-RD); BLEEDING DISORDER, PLATELET-TYPE, 6; DOHLE LEUKOCYTE INCLUSIONS WITH GIANT PLATELETS; SEBASTIAN PLATELET SYNDROME; MACROTHROMBOCYTOPENIA WITH DISPERSED LEUKOCYTIC INCLUSIONS; MACROTHROMBOCYTOPENIA, NEPHRITIS, AND DEAFNESS. Identifiers: Orphanet 182050, MedGen C5200934, MONDO:0015912, OMIM 155100.

Allele frequency attached by ClinVar (database versions not stated): gnomAD exomes 0.00045 and 0.00062; ExAC 0.00049; 1000 Genomes Project 0.00060; gnomAD 0.00061; TOPMed 0.00062; ESP Exome Variant Server 0.00077; 1000 Genomes Project 30x 0.00094.
gnomAD v4.1: 1,009 of 1,614,094 alleles (0.063%); highest among the groups gnomAD compares: Non-Finnish European, 0.076%; no homozygotes.

Submissions (9):

Labcorp Genetics (formerly Invitae), Labcorp
Classification: Likely benign. Last evaluated: 2026-01-28. Review status: criteria provided, single submitter. Criteria: Invitae Variant Classification Sherloc (09022015). Collection method: clinical testing. Allele origin: germline.

Blueprint Genetics
Classification: Likely benign. Last evaluated: 2024-10-18. Review status: criteria provided, single submitter. Criteria: ACMG Guidelines, 2015. Collection method: clinical testing. Allele origin: germline.

Fulgent Genetics
Classification: Likely benign for Macrothrombocytopenia and granulocyte inclusions with or without nephritis or sensorineural hearing loss; Autosomal dominant nonsyndromic hearing loss 17. Last evaluated: 2021-07-26. Review status: criteria provided, single submitter. Criteria: ACMG Guidelines, 2015. Collection method: clinical testing. Allele origin: unknown.

ARUP Laboratories, Molecular Genetics and Genomics, ARUP Laboratories
Classification: Benign. Last evaluated: 2020-02-28. Review status: criteria provided, single submitter. Criteria: ARUP Molecular Germline Variant Investigation Process. Collection method: clinical testing. Allele origin: germline.

Illumina Laboratory Services, Illumina
Classification: Likely benign for Autosomal dominant nonsyndromic hearing loss 17. Last evaluated: 2018-01-13. Review status: criteria provided, single submitter. Criteria: ICSL Variant Classification Criteria 13 December 2019. Collection method: clinical testing. Allele origin: germline.
Comment: This variant was observed in the ICSL laboratory as part of a predisposition screen in an ostensibly healthy population. It had not been previously curated by ICSL or reported in the Human Gene Mutation Database (HGMD: prior to June 1st, 2018), and was therefore a candidate for classification through an automated scoring system. Utilizing variant allele frequency, disease prevalence and penetrance estimates, and inheritance mode, an automated score was calculated to assess if this variant is too frequent to cause the disease. Based on the score and internal cut-off values, a variant classified as likely benign is not then subjected to further curation. The score for this variant resulted in a classification of likely benign for this disease.

Illumina Laboratory Services, Illumina
Classification: Benign for MYH9-related disorder. Last evaluated: 2018-01-13. Review status: criteria provided, single submitter. Criteria: ICSL Variant Classification Criteria 13 December 2019. Collection method: clinical testing. Allele origin: germline.
Comment: This variant was observed in the ICSL laboratory as part of a predisposition screen in an ostensibly healthy population. It had not been previously curated by ICSL or reported in the Human Gene Mutation Database (HGMD: prior to June 1st, 2018), and was therefore a candidate for classification through an automated scoring system. Utilizing variant allele frequency, disease prevalence and penetrance estimates, and inheritance mode, an automated score was calculated to assess if this variant is too frequent to cause the disease. Based on the score and internal cut-off values, a variant classified as benign is not then subjected to further curation. The score for this variant resulted in a classification of benign for this disease.

GeneDx
Classification: Likely benign. Last evaluated: 2017-10-27. Review status: criteria provided, single submitter. Criteria: GeneDx Variant Classification (06012015). Collection method: clinical testing. Allele origin: germline. Affected: yes.
Comment: This variant is considered likely benign or benign based on one or more of the following criteria: it is a conservative change, it occurs at a poorly conserved position in the protein, it is predicted to be benign by multiple in silico algorithms, and/or has population frequency not consistent with disease.

Laboratory for Molecular Medicine, Mass General Brigham Personalized Medicine
Classification: Likely benign. Last evaluated: 2017-06-15. Review status: criteria provided, single submitter. Criteria: LMM Criteria. Collection method: clinical testing. Allele origin: germline. Observed: 2 variant alleles.
Comment: c.4344+10C>T in intron 31 of MYH9: This variant is not expected to have clinical significance because it is not located within the conserved splice consensus se quence and has been identified in 95/126020 of European chromosomes by the Genom e Aggregation Database (gnomAD; dbSNP rs200977 419).

PreventionGenetics, part of Exact Sciences
Classification: Likely benign. Review status: criteria provided, single submitter. Criteria: ACMG Guidelines, 2015. Collection method: clinical testing. Allele origin: germline.

NM_002473.6(MYH9):c.4344+10C>T

Gene: MYH9 (myosin heavy chain 9; minus strand). Cytogenetic location: 22q12.3.
Variant type: single nucleotide variant.
Coding change: c.4344+10C>T on transcript NM_002473.6 (MANE Select); 10 bases into the intron after coding-DNA position 4344, C replaced by T.
Molecular consequence: intron variant.
Genome position (GRCh38, 1-based): chr22:36,291,976, G>A on the plus strand (C>T on the coding strand, the complement: MYH9 is on the minus strand). VCF-style: chr22-36291976-G-A. GRCh37 (hg19) VCF-style: chr22-36688022-G-A.
Identifiers: ClinVar variation 227612 (VCV000227612.28), dbSNP rs200977419, ClinGen allele CA10209403.